The following is an entry in ClinVar:

NM_005121.3(MED13):c.2476+7T>G

Gene: MED13 (mediator complex subunit 13; minus strand). Cytogenetic location: 17q23.2.
Variant type: single nucleotide variant.
Coding change: c.2476+7T>G on transcript NM_005121.3 (MANE Select); 7 bases into the intron after coding-DNA position 2476, T replaced by G.
Molecular consequence: intron variant.
Genome position (GRCh38, 1-based): chr17:61,984,993, A>C on the plus strand (T>G on the coding strand, the complement: MED13 is on the minus strand). VCF-style: chr17-61984993-A-C. GRCh37 (hg19) VCF-style: chr17-60062354-A-C.
Identifiers: ClinVar variation 1676443 (VCV001676443.3), dbSNP rs1249502323, ClinGen allele CA627146862.

ClinVar aggregate classification (germline): Uncertain significance (1 of 4 stars; one submission).

gnomAD v4.1: 2 of 1,613,394 alleles (0.00012%); highest among the groups gnomAD compares: African/African-American, 0.0027%; no homozygotes.

Submission:

Greenwood Genetic Center Diagnostic Laboratories, Greenwood Genetic Center
Classification: Uncertain significance. Last evaluated: 2022-02-16. Review status: criteria provided, single submitter. Criteria: ACMG Guidelines, 2015. Collection method: clinical testing. Allele origin: germline. Affected: yes.
Comment: PM2